The following is an entry in ClinVar:

NM_001040108.2(MLH3):c.940T>G (p.Phe314Val)

Gene: MLH3 (mutL homolog 3; minus strand). Cytogenetic location: 14q24.3.
Variant type: single nucleotide variant.
Coding change: c.940T>G on transcript NM_001040108.2 (MANE Select); coding-DNA position 940, T replaced by G.
Protein change: p.Phe314Val; replaces phenylalanine 314 with valine.
Molecular consequence: missense variant.
Genome position (GRCh38, 1-based): chr14:75,048,716, A>C on the plus strand (T>G on the coding strand, the complement: MLH3 is on the minus strand). VCF-style: chr14-75048716-A-C. GRCh37 (hg19) VCF-style: chr14-75515419-A-C.
Other names: c.940T>G, p.Phe314Val (NM_014381.3); short protein forms F314V.
Identifiers: ClinVar variation 4108655 (VCV004108655.1).

ClinVar aggregate classification (germline): Uncertain significance (1 of 4 stars; one submission).

Submission:

Ambry Genetics
Classification: Uncertain significance. Last evaluated: 2025-08-02. Review status: criteria provided, single submitter. Criteria: Ambry Variant Classification Scheme 2023. Collection method: clinical testing. Allele origin: germline.
Comment: The p.F314V variant (also known as c.940T>G), located in coding exon 1 of the MLH3 gene, results from a T to G substitution at nucleotide position 940. The phenylalanine at codon 314 is replaced by valine, an amino acid with highly similar properties. This amino acid position is conserved. In addition, the in silico prediction for this alteration is inconclusive. Based on the available evidence, the clinical significance of this variant remains unclear.